The following is an entry in ClinVar:

NM_020975.6(RET):c.1056T>C (p.His352=)

Gene: RET (ret proto-oncogene; plus strand). Cytogenetic location: 10q11.21.
Variant type: single nucleotide variant.
Coding change: c.1056T>C on transcript NM_020975.6 (MANE Select); coding-DNA position 1056, T replaced by C.
Protein change: p.His352=; no amino-acid change (histidine 352 retained).
Molecular consequence: synonymous variant. On other transcripts: intron variant (25).
Genome position (GRCh38, 1-based): chr10:43,106,564, T>C. VCF-style: chr10-43106564-T-C. GRCh37 (hg19) VCF-style: chr10-43602012-T-C.
Other names: c.1056T>C, p.His352= (NM_000323.2, NM_001406743.1, NM_001406744.1 and 6 more transcripts); c.294T>C, p.His98= (NM_001355216.2); c.927T>C, p.His309= (NM_001406761.1, NM_001406762.1, NM_001406764.1 and 1 more transcripts); c.768T>C, p.His256= (NM_001406766.1, NM_001406767.1, NM_001406770.1); c.867+1371T>C (NM_001406772.1, NM_001406769.1); c.626-2467T>C (NM_001406773.1, NM_001406771.1); c.625+3935T>C (NM_001406782.1, NM_001406780.1, NM_001406779.1 and 3 more transcripts); c.738+1371T>C (NM_001406774.1); and 5 more.
Identifiers: ClinVar variation 1778745 (VCV001778745.6), dbSNP rs2538405796, ClinGen allele CA469024084.

ClinVar aggregate classification (germline): Benign/Likely benign. Review status: criteria provided, multiple submitters, no conflicts (2 of 4 stars). 4 submissions from 4 submitters: Benign (1); Likely benign (3). Last evaluated 2025-02-25.

Conditions:
Hereditary cancer-predisposing syndrome. Also called: Neoplastic Syndromes, Hereditary; Tumor predisposition; Hereditary Cancer Syndrome; Hereditary neoplastic syndrome. Identifiers: Orphanet 140162, MedGen C0027672, MeSH D009386, MONDO:0015356.
Multiple endocrine neoplasia, type 2 (MEN2). Identifiers: Orphanet 653, MedGen C4048306, MONDO:0019003. Disease mechanism: gain of function.
Multiple endocrine neoplasia type 2A. Also called: MULTIPLE ENDOCRINE NEOPLASIA, TYPE IIA; PTC SYNDROME; SIPPLE SYNDROME; MEN 2A; MEN-2A syndrome; Pheochromocytoma and amyloid producing medullary thyroid carcinoma. Identifiers: Orphanet 247698, Orphanet 653, MedGen C0025268, MeSH D018813, MONDO:0008234, OMIM 171400.

Allele frequency attached by ClinVar (database versions not stated): gnomAD exomes below 0.00001.
gnomAD v4.1: 7 of 1,613,386 alleles (0.00043%); highest among the groups gnomAD compares: Non-Finnish European, 0.00042%; no homozygotes.

Submissions (4):

Myriad Genetics, Inc.
Classification: Benign for Multiple endocrine neoplasia type 2A. Last evaluated: 2025-02-25. Review status: criteria provided, single submitter. Criteria: Myriad Autosomal Dominant, Autosomal Recessive and X-Linked Classification Criteria (2023). Collection method: clinical testing. Allele origin: unknown.
Comment: This variant is considered benign. This variant is a silent/synonymous amino acid change and it is not expected to impact splicing.

Labcorp Genetics (formerly Invitae), Labcorp
Classification: Likely benign for Multiple endocrine neoplasia, type 2. Last evaluated: 2024-04-24. Review status: criteria provided, single submitter. Criteria: Invitae Variant Classification Sherloc (09022015). Collection method: clinical testing. Allele origin: germline.

All of Us Research Program, National Institutes of Health
Classification: Likely benign for Multiple endocrine neoplasia, type 2. Last evaluated: 2023-07-10. Review status: criteria provided, single submitter. Criteria: ACMG Guidelines, 2015. Collection method: clinical testing. Allele origin: germline. Inheritance: Autosomal dominant inheritance. Observed: 1 variant allele, 1 heterozygote.
Comment: This study involves interpretation of variants in research participants for the purpose of population health screening. Participant phenotype was not available at the time of variant classification. Additional details can be found in publication PMID: 35346344, PMCID: PMC8962531

Ambry Genetics
Classification: Likely benign for Hereditary cancer-predisposing syndrome. Last evaluated: 2022-03-29. Review status: criteria provided, single submitter. Criteria: Ambry Variant Classification Scheme 2023. Collection method: clinical testing. Allele origin: germline.